The following is an entry in ClinVar:

ClinVar aggregate classification (germline): Likely pathogenic (1 of 4 stars; one submission).

Conditions:
MYO5B-related disorder. Also called: MYO5B-related condition.

Submission:

PreventionGenetics, part of Exact Sciences
Classification: Likely pathogenic for MYO5B-related condition. Last evaluated: 2024-12-20. Review status: criteria provided, single submitter. Criteria: ACMG Guidelines, 2015. Collection method: clinical testing. Allele origin: germline.
Comment: The MYO5B c.1903C>T variant is predicted to result in premature protein termination (p.Gln635*). To our knowledge, this variant has not been reported in the literature or in a large population database (gnomAD), indicating this variant is rare. Nonsense variants in MYO5B are expected to be pathogenic. This variant is interpreted as likely pathogenic.

NM_001080467.3(MYO5B):c.1903C>T (p.Gln635Ter)

Gene: MYO5B (myosin VB; minus strand). Cytogenetic location: 18q21.1.
Variant type: single nucleotide variant.
Coding change: c.1903C>T on transcript NM_001080467.3 (MANE Select); coding-DNA position 1903, C replaced by T.
Protein change: p.Gln635Ter; replaces glutamine 635 with a stop codon.
Molecular consequence: nonsense.
Genome position (GRCh38, 1-based): chr18:49,937,247, G>A on the plus strand (C>T on the coding strand, the complement: MYO5B is on the minus strand). VCF-style: chr18-49937247-G-A. GRCh37 (hg19) VCF-style: chr18-47463617-G-A.
Other names: short protein forms Q635*.
Identifiers: ClinVar variation 4998277 (VCV004998277.1).